The following is an entry in ClinVar:

NM_004360.5(CDH1):c.1118C>G (p.Pro373Arg)

Gene: CDH1 (cadherin 1; plus strand). Cytogenetic location: 16q22.1.
Variant type: single nucleotide variant.
Coding change: c.1118C>G on transcript NM_004360.5 (MANE Select); coding-DNA position 1118, C replaced by G.
Protein change: p.Pro373Arg; replaces proline 373 with arginine.
Molecular consequence: missense variant. On other transcripts: 5 prime UTR variant (2).
Genome position (GRCh38, 1-based): chr16:68,812,244, C>G. VCF-style: chr16-68812244-C-G. GRCh37 (hg19) VCF-style: chr16-68846147-C-G.
Other names: c.1118C>G (LRG_301t1); c.1118C>G, p.Pro373Arg (NM_001317184.2); c.-498C>G (NM_001317185.2); c.-702C>G (NM_001317186.2); short protein forms P373R.
Identifiers: ClinVar variation 421392 (VCV000421392.2), dbSNP rs587782359, ClinGen allele CA16620246.

ClinVar aggregate classification (germline): Uncertain significance (1 of 4 stars; one submission).

Submission:

GeneDx
Classification: Uncertain significance. Last evaluated: 2016-06-02. Review status: criteria provided, single submitter. Criteria: GeneDx Variant Classification (06012015). Collection method: clinical testing. Allele origin: germline. Affected: yes.
Comment: The P373R variant in the CDH1 gene has not been reported previously as a pathogenic variant, nor as a benign variant, to our knowledge. The P373R variant was not observed in approximately 6,500 individuals of European and African American ancestry in the NHLBI Exome Sequencing Project, indicating it is not a common benign variant in these populations. The P373R variant is a non-conservative amino acid substitution, which is likely to impact secondary protein structure as these residues differ in polarity, charge, size and/or other properties. This substitution occurs at a position in the cadherin 2 domain that is conserved across species. In silico analysis predicts this variant is probably damaging to the protein structure/function. We interpret P373R as a variant of uncertain significance.